The following is an entry in ClinVar:

NM_031308.4(EPPK1):c.6234G>A (p.Thr2078=)

Gene: EPPK1 (epiplakin 1; minus strand). Cytogenetic location: 8q24.3.
Variant type: single nucleotide variant.
Coding change: c.6234G>A on transcript NM_031308.4 (MANE Select); coding-DNA position 6234, G replaced by A.
Protein change: p.Thr2078=; no amino-acid change (threonine 2078 retained).
Molecular consequence: synonymous variant.
Genome position (GRCh38, 1-based): chr8:143,867,020, C>T on the plus strand (G>A on the coding strand, the complement: EPPK1 is on the minus strand). VCF-style: chr8-143867020-C-T. GRCh37 (hg19) VCF-style: chr8-144941188-C-T.
Identifiers: ClinVar variation 3036075 (VCV003036075.2), dbSNP rs373075113, ClinGen allele CA4921854.

ClinVar aggregate classification (germline): Likely benign (0 of 4 stars; one submission).

Conditions:
EPPK1-related disorder. Also called: EPPK1-related condition.

Allele frequency attached by ClinVar (database versions not stated): ESP Exome Variant Server 0.00023.
gnomAD v4.1: 142 of 1,612,722 alleles (0.0088%); highest among the groups gnomAD compares: East Asian, 0.011%; no homozygotes.

Submission:

PreventionGenetics, part of Exact Sciences
Classification: Likely benign for EPPK1-related condition. Last evaluated: 2021-08-20. Review status: no assertion criteria provided. Collection method: clinical testing. Allele origin: germline.
Comment: This variant is classified as likely benign based on ACMG/AMP sequence variant interpretation guidelines (Richards et al. 2015 PMID: 25741868, with internal and published modifications).